The following is an entry in ClinVar:

NM_003072.5(SMARCA4):c.2001G>C (p.Glu667Asp)

Gene: SMARCA4 (SWI/SNF related BAF chromatin remodeling complex subunit ATPase 4; plus strand). Cytogenetic location: 19p13.2.
Variant type: single nucleotide variant.
Coding change: c.2001G>C on transcript NM_003072.5 (MANE Select); coding-DNA position 2001, G replaced by C.
Protein change: p.Glu667Asp; replaces glutamic acid 667 with aspartic acid.
Molecular consequence: missense variant. On other transcripts: non-coding transcript variant (1).
Genome position (GRCh38, 1-based): chr19:11,003,397, G>C. VCF-style: chr19-11003397-G-C. GRCh37 (hg19) VCF-style: chr19-11114073-G-C.
Other names: c.2001G>C, p.Glu667Asp (NM_001128844.3, NM_001128845.2, NM_001128846.2 and 6 more transcripts); short protein forms E667D.
Identifiers: ClinVar variation 2561190 (VCV002561190.6), dbSNP rs1600136048, ClinGen allele CA404052345.

ClinVar aggregate classification (germline): Uncertain significance. Review status: criteria provided, multiple submitters, no conflicts (2 of 4 stars). 2 submissions from 2 submitters: Uncertain significance (2). Last evaluated 2024-08-15.

Conditions:
Hereditary cancer-predisposing syndrome. Also called: Neoplastic Syndromes, Hereditary; Hereditary Cancer Syndrome; Hereditary neoplastic syndrome; Tumor predisposition. Identifiers: Orphanet 140162, MedGen C0027672, MeSH D009386, MONDO:0015356.
Rhabdoid tumor predisposition syndrome 2 (RTPS2). Identifiers: Orphanet 231108, Orphanet 69077, MedGen C2750074, MONDO:0013224, OMIM 613325.

Submissions (2):

Ambry Genetics
Classification: Uncertain significance for Hereditary cancer-predisposing syndrome. Last evaluated: 2024-08-15. Review status: criteria provided, single submitter. Criteria: Ambry Variant Classification Scheme 2023. Collection method: clinical testing. Allele origin: germline.
Comment: The p.E667D variant (also known as c.2001G>C), located in coding exon 12 of the SMARCA4 gene, results from a G to C substitution at nucleotide position 2001. The amino acid change results in glutamic acid to aspartic acid at codon 667, an amino acid with highly similar properties. However, this change occurs in the last base pair of coding exon 12, which makes it likely to have some effect on normal mRNA splicing. This nucleotide position is highly conserved in available vertebrate species. This amino acid position is highly conserved in available vertebrate species. In silico splice site analysis for this alteration is inconclusive; and direct evidence is insufficient (Ambry internal data). In addition, as a missense, this alteration is predicted to be tolerated by in silico analysis. Since supporting evidence is limited at this time, the clinical significance of this alteration remains unclear.

Labcorp Genetics (formerly Invitae), Labcorp
Classification: Uncertain significance for Rhabdoid tumor predisposition syndrome 2. Last evaluated: 2023-03-18. Review status: criteria provided, single submitter. Criteria: Invitae Variant Classification Sherloc (09022015). Collection method: clinical testing. Allele origin: germline.
Comment: In summary, the available evidence is currently insufficient to determine the role of this variant in disease. Therefore, it has been classified as a Variant of Uncertain Significance. Variants that disrupt the consensus splice site are a relatively common cause of aberrant splicing (PMID: 17576681, 9536098). An algorithm developed to predict the effect of missense changes on protein structure and function (PolyPhen-2) suggests that this variant is likely to be tolerated. This variant has not been reported in the literature in individuals affected with SMARCA4-related conditions. This variant is not present in population databases (gnomAD no frequency). This sequence change replaces glutamic acid, which is acidic and polar, with aspartic acid, which is acidic and polar, at codon 667 of the SMARCA4 protein (p.Glu667Asp). This variant also falls at the last nucleotide of exon 13, which is part of the consensus splice site for this exon.

Literature cited by the submitters: PubMed 17576681 (cited by Labcorp Genetics (formerly Invitae), Labcorp); PubMed 9536098 (cited by Labcorp Genetics (formerly Invitae), Labcorp).